The following is an entry in ClinVar:

ClinVar aggregate classification (germline): Uncertain significance (1 of 4 stars; one submission).

gnomAD v4.1: 3 of 1,614,198 alleles (0.00019%); highest among the groups gnomAD compares: Non-Finnish European, 0.00025%; no homozygotes.

Submission:

Labcorp Genetics (formerly Invitae), Labcorp
Classification: Uncertain significance. Last evaluated: 2026-01-25. Review status: criteria provided, single submitter. Criteria: Invitae Variant Classification Sherloc (09022015). Collection method: clinical testing. Allele origin: germline.
Comment: This sequence change replaces lysine, which is basic and polar, with arginine, which is basic and polar, at codon 47 of the MYH9 protein (p.Lys47Arg). This variant is not present in population databases (gnomAD no frequency). This variant has not been reported in the literature in individuals affected with MYH9-related conditions. ClinVar contains an entry for this variant (Variation ID: 3680637). Invitae Evidence Modeling of protein sequence and biophysical properties (such as structural, functional, and spatial information, amino acid conservation, physicochemical variation, residue mobility, and thermodynamic stability) indicates that this missense variant is not expected to disrupt MYH9 protein function with a negative predictive value of 95%. In summary, the available evidence is currently insufficient to determine the role of this variant in disease. Therefore, it has been classified as a Variant of Uncertain Significance.

NM_002473.6(MYH9):c.140A>G (p.Lys47Arg)

Gene: MYH9 (myosin heavy chain 9; minus strand). Cytogenetic location: 22q12.3.
Variant type: single nucleotide variant.
Coding change: c.140A>G on transcript NM_002473.6 (MANE Select); coding-DNA position 140, A replaced by G.
Protein change: p.Lys47Arg; replaces lysine 47 with arginine.
Molecular consequence: missense variant.
Genome position (GRCh38, 1-based): chr22:36,349,097, T>C on the plus strand (A>G on the coding strand, the complement: MYH9 is on the minus strand). VCF-style: chr22-36349097-T-C. GRCh37 (hg19) VCF-style: chr22-36745142-T-C.
Other names: short protein forms K47R.
Identifiers: ClinVar variation 3680637 (VCV003680637.2).
Genomic context (GRCh38, chr22:36,349,097, plus strand): 5'-ACCTTCACCTTCTTCCCATTCTCCACCAGCTCCACGATGGCCTCTTCGCCCACCTCCTCC[T>C]TGAGGCTGGCTGGCTCAAAGCCACTCTTGTCGGAAGGCACCCATACCAGCTTCTTGGCAG-3'
Protein context (NP_002464.1, residues 37-57): DKSGFEPASL[Lys47Arg]EEVGEEAIVE